The following is an entry in ClinVar:

NM_001089.3(ABCA3):c.3762C>G (p.Asn1254Lys)

Gene: ABCA3 (ATP binding cassette subfamily A member 3; minus strand). Cytogenetic location: 16p13.3.
Variant type: single nucleotide variant.
Coding change: c.3762C>G on transcript NM_001089.3 (MANE Select); coding-DNA position 3762, C replaced by G.
Protein change: p.Asn1254Lys; replaces asparagine 1254 with lysine.
Molecular consequence: missense variant.
Genome position (GRCh38, 1-based): chr16:2,284,379, G>C on the plus strand (C>G on the coding strand, the complement: ABCA3 is on the minus strand). VCF-style: chr16-2284379-G-C. GRCh37 (hg19) VCF-style: chr16-2334380-G-C.
Other names: short protein forms N1254K.
Identifiers: ClinVar variation 2575962 (VCV002575962.1), dbSNP rs2505620969, ClinGen allele CA394314517.

ClinVar aggregate classification (germline): Uncertain significance (1 of 4 stars; one submission).

Submission:

Institute for Clinical Genetics, University Hospital TU Dresden, University Hospital TU Dresden
Classification: Uncertain significance. Last evaluated: 2022-03-29. Review status: criteria provided, single submitter. Criteria: ACMG Guidelines, 2015. Collection method: clinical testing. Allele origin: maternal.
Comment: PP4, PP3, PM1, PM2_SUP